The following is an entry in ClinVar:

ClinVar aggregate classification (germline): Likely pathogenic (1 of 4 stars; one submission).

Conditions:
Early-onset myopathy with fatal cardiomyopathy (CMYO5). Also called: CONGENITAL MYOPATHY 5 WITH CARDIOMYOPATHY; Salih Myopathy. Identifiers: Orphanet 289377, MedGen C2673677, MONDO:0012714, OMIM 611705. Disease mechanism: loss of function.

Submission:

3billion
Classification: Likely pathogenic for Early-onset myopathy with fatal cardiomyopathy. Last evaluated: 2023-10-19. Review status: criteria provided, single submitter. Criteria: ACMG Guidelines, 2015. Collection method: clinical testing. Allele origin: germline. Affected: yes.
Comment: The variant is not observed in the gnomAD v2.1.1 dataset. Predicted Consequence/Location: Frameshift: predicted to result in a loss or disruption of normal protein function through nonsense-mediated decay (NMD) or protein truncation. Multiple pathogenic variants are reported downstream of the variant. Therefore, this variant is classified as Likely pathogenic according to the recommendation of ACMG/AMP guideline.

NM_001267550.2(TTN):c.35851del (p.Arg11951fs)

Gene: TTN (titin; minus strand). Cytogenetic location: 2q31.2.
Variant type: Deletion.
Coding change: c.35851del on transcript NM_001267550.2 (MANE Select); coding-DNA position 35851, one base deleted (A; older notation c.35851delA).
Protein change: p.Arg11951fs; shifts the reading frame from arginine 11951.
Molecular consequence: frameshift variant. On other transcripts: intron variant (5).
Genome position (GRCh38, 1-based): chr2:178,666,848, T deleted on the plus strand (A on the coding strand, the reverse complement: TTN is on the minus strand); the first of 4 consecutive T bases (chr2:178,666,848-178,666,851); deleting any one gives the same sequence. VCF-style (leftmost placement, unchanged base first): chr2-178666847-CT-C. GRCh37 (hg19) VCF-style: chr2-179531574-CT-C.
Other names: c.34264+3370del (NM_001256850.1); c.13283-24531del (NM_003319.4); c.13859-24531del (NM_133437.4); c.13658-24531del (NM_133432.3); c.31483+3370del (NM_133378.4); short protein forms R11951fs.
Identifiers: ClinVar variation 3776303 (VCV003776303.1).
Genomic context (GRCh38, chr2:178,666,847, plus strand): 5'-CATGAGATTAAAAAGGTGACTTTCTTCCAACTTGTACCTGTTGGTGATGGTGTTTTTCTT[CT>C]TTTAACAATAGGAGTTTCTCCCTCTGGAATGACTTCCTTGAAGACTTCAAACTCTTTAAA-3'